The following is an entry in ClinVar:

ClinVar aggregate classification (germline): Uncertain significance (1 of 4 stars; one submission).

Allele frequency attached by ClinVar (database versions not stated): gnomAD exomes below 0.00001.
gnomAD v4.1: 2 of 1,612,038 alleles (0.00012%); highest among the groups gnomAD compares: Non-Finnish European, 0.00017%; no homozygotes.

Submission:

Women's Health and Genetics/Laboratory Corporation of America, LabCorp
Classification: Uncertain significance. Last evaluated: 2024-04-17. Review status: criteria provided, single submitter. Criteria: LabCorp Variant Classification Summary - May 2015. Collection method: clinical testing. Allele origin: germline.
Comment: Variant summary: ASH1L c.5123C>T (p.Ala1708Val) results in a non-conservative amino acid change in the encoded protein sequence. Four of five in-silico tools predict a benign effect of the variant on protein function. The frequency data for this variant in gnomAD is considered unreliable, as metrics indicate poor data quality at this position. To our knowledge, no occurrence of c.5123C>T in individuals affected with Intellectual Disability, Autosomal Dominant 52 and no experimental evidence demonstrating its impact on protein function have been reported. No submitters have cited clinical-significance assessments for this variant to ClinVar. Based on the evidence outlined above, the variant was classified as uncertain significance.

NM_018489.3(ASH1L):c.5123C>T (p.Ala1708Val)

Gene: ASH1L (ASH1 like histone lysine methyltransferase; minus strand). Cytogenetic location: 1q22.
Variant type: single nucleotide variant.
Coding change: c.5123C>T on transcript NM_018489.3 (MANE Select); coding-DNA position 5123, C replaced by T.
Protein change: p.Ala1708Val; replaces alanine 1708 with valine.
Molecular consequence: missense variant.
Genome position (GRCh38, 1-based): chr1:155,439,032, G>A on the plus strand (C>T on the coding strand, the complement: ASH1L is on the minus strand). VCF-style: chr1-155439032-G-A. GRCh37 (hg19) VCF-style: chr1-155408823-G-A.
Other names: c.5123C>T, p.Ala1708Val (NM_001366177.2); short protein forms A1708V.
Identifiers: ClinVar variation 3251896 (VCV003251896.1), dbSNP rs2526765647.
Genomic context (GRCh38, chr1:155,439,032, plus strand): 5'-TCTTGGTCCTCATTTTGTACCATCCGCTGCAGCAGACTATCCACAGAGTCATCCCCAGAA[G>A]CAACTAATCTTGGACTTCGAGAGGGAACTCCGTTTACTGAAAGAGACAATAAATCACACA-3'
Protein context (NP_060959.2, residues 1698-1718): GVPSRSPRLV[Ala1708Val]SGDDSVDSLL